The following is an entry in ClinVar:

NM_001379291.1(BRD4):c.1111G>A (p.Ala371Thr)

Gene: BRD4 (bromodomain containing 4; minus strand). Cytogenetic location: 19p13.12.
Variant type: single nucleotide variant.
Coding change: c.1111G>A on transcript NM_001379291.1 (MANE Select); coding-DNA position 1111, G replaced by A.
Protein change: p.Ala371Thr; replaces alanine 371 with threonine.
Molecular consequence: missense variant.
Genome position (GRCh38, 1-based): chr19:15,264,505, C>T on the plus strand (G>A on the coding strand, the complement: BRD4 is on the minus strand). VCF-style: chr19-15264505-C-T. GRCh37 (hg19) VCF-style: chr19-15375316-C-T.
Other names: c.1111G>A, p.Ala371Thr (NM_001330384.2, NM_001379292.1, NM_014299.3 and 1 more transcripts); short protein forms A371T.
Identifiers: ClinVar variation 2907689 (VCV002907689.3), dbSNP rs200264318, ClinGen allele CA9265449.

ClinVar aggregate classification (germline): Uncertain significance (1 of 4 stars; one submission).

Allele frequency attached by ClinVar (database versions not stated): gnomAD exomes below 0.00001; ExAC 0.00001; gnomAD 0.00001; TOPMed 0.00002; 1000 Genomes Project 30x 0.00016; 1000 Genomes Project 0.00020.
gnomAD v4.1: 8 of 1,613,946 alleles (0.0005%); highest among the groups gnomAD compares: East Asian, 0.0022%; no homozygotes.

Submission:

Labcorp Genetics (formerly Invitae), Labcorp
Classification: Uncertain significance. Last evaluated: 2023-11-18. Review status: criteria provided, single submitter. Criteria: Invitae Variant Classification Sherloc (09022015). Collection method: clinical testing. Allele origin: germline.
Comment: This sequence change replaces alanine, which is neutral and non-polar, with threonine, which is neutral and polar, at codon 371 of the BRD4 protein (p.Ala371Thr). This variant is present in population databases (rs200264318, gnomAD 0.006%). This variant has not been reported in the literature in individuals affected with BRD4-related conditions. Advanced modeling of protein sequence and biophysical properties (such as structural, functional, and spatial information, amino acid conservation, physicochemical variation, residue mobility, and thermodynamic stability) performed at Invitae indicates that this missense variant is not expected to disrupt BRD4 protein function with a negative predictive value of 80%. In summary, the available evidence is currently insufficient to determine the role of this variant in disease. Therefore, it has been classified as a Variant of Uncertain Significance.